The following is an entry in ClinVar:

NM_001128227.3(GNE):c.23A>G (p.Gln8Arg)

Gene: GNE (glucosamine (UDP-N-acetyl)-2-epimerase/N-acetylmannosamine kinase; minus strand). Cytogenetic location: 9p13.3.
Variant type: single nucleotide variant.
Coding change: c.23A>G on transcript NM_001128227.3 (MANE Plus Clinical); coding-DNA position 23, A replaced by G.
Protein change: p.Gln8Arg; replaces glutamine 8 with arginine.
Molecular consequence: missense variant. On other transcripts: 5 prime UTR variant (1).
Genome position (GRCh38, 1-based): chr9:36,276,922, T>C on the plus strand (A>G on the coding strand, the complement: GNE is on the minus strand). VCF-style: chr9-36276922-T-C. GRCh37 (hg19) VCF-style: chr9-36276919-T-C.
Other names: c.-42A>G (NM_001190388.2); short protein forms Q8R.
Identifiers: ClinVar variation 460454 (VCV000460454.11), dbSNP rs765794816, ClinGen allele CA5056830.
Genomic context (GRCh38, chr9:36,276,922, plus strand): 5'-AATAAAGCTCTATTGAATTCCGAATTACTTACATGAGGTCCTTGAAAGCATGACTCCCTC[T>C]GCAGATAACCATAGGTTTCCATCCCGAAGCACGAGCTCTGTACCCTAGTGTGGTTTGAAA-3'
Protein context (NP_001121699.1, residues 1-18): METYGYL[Gln8Arg]RESCFQGPHE

ClinVar aggregate classification (germline): Uncertain significance. Review status: criteria provided, single submitter (1 of 4 stars). 2 submissions from 2 submitters: Uncertain significance (1). 1 of the submissions does not count toward it. Last evaluated 2024-05-16.

Conditions:
Sialuria. Also called: SIALURIA, FRENCH TYPE; Sialic Acid Storage Disease. Identifiers: Orphanet 3166, MedGen C0342853, MONDO:0010028, OMIM 269921.
GNE myopathy (NM). Also called: NONAKA DISTAL MYOPATHY; INCLUSION BODY MYOPATHY, HEREDITARY, AUTOSOMAL RECESSIVE; INCLUSION BODY MYOPATHY 2, AUTOSOMAL RECESSIVE; MYOPATHY, DISTAL, WITH OR WITHOUT RIMMED VACUOLES; IBM 2; Inclusion body myopathy autosomal recessive. Identifiers: Orphanet 602, MedGen C1853926, MONDO:0011603, OMIM 605820.

Allele frequency attached by ClinVar (database versions not stated): ExAC 0.00002; gnomAD exomes 0.00002 and 0.00001.

Submissions (2):

Labcorp Genetics (formerly Invitae), Labcorp
Classification: Uncertain significance for Sialuria; GNE myopathy. Last evaluated: 2024-05-16. Review status: criteria provided, single submitter. Criteria: Invitae Variant Classification Sherloc (09022015). Collection method: clinical testing. Allele origin: germline.
Comment: This sequence change replaces glutamine, which is neutral and polar, with arginine, which is basic and polar, at codon 8 of the GNE protein (p.Gln8Arg). This variant is present in population databases (rs765794816, gnomAD 0.02%). This variant has not been reported in the literature in individuals affected with GNE-related conditions. ClinVar contains an entry for this variant (Variation ID: 460454). Advanced modeling of protein sequence and biophysical properties (such as structural, functional, and spatial information, amino acid conservation, physicochemical variation, residue mobility, and thermodynamic stability) performed at Invitae indicates that this missense variant is not expected to disrupt GNE protein function with a negative predictive value of 95%. In summary, the available evidence is currently insufficient to determine the role of this variant in disease. Therefore, it has been classified as a Variant of Uncertain Significance.

Counsyl
Classification: Uncertain significance for GNE myopathy. Last evaluated: 2018-05-15. Review status: no assertion criteria provided. Collection method: clinical testing. Allele origin: unknown. Not counted in ClinVar's aggregate classification.